The following is an entry in ClinVar:

NM_002519.3(NPAT):c.1967C>A (p.Ser656Tyr)

Gene: NPAT (nuclear protein, coactivator of histone transcription; minus strand). Cytogenetic location: 11q22.3.
Variant type: single nucleotide variant.
Coding change: c.1967C>A on transcript NM_002519.3 (MANE Select); coding-DNA position 1967, C replaced by A.
Protein change: p.Ser656Tyr; replaces serine 656 with tyrosine.
Molecular consequence: missense variant.
Genome position (GRCh38, 1-based): chr11:108,173,017, G>T on the plus strand (C>A on the coding strand, the complement: NPAT is on the minus strand). VCF-style: chr11-108173017-G-T. GRCh37 (hg19) VCF-style: chr11-108043744-G-T.
Other names: c.1967C>A, p.Ser656Tyr (NM_001321307.1); short protein forms S656Y.
Identifiers: ClinVar variation 1783540 (VCV001783540.3), dbSNP rs781227863, ClinGen allele CA6263912.

ClinVar aggregate classification (germline): Uncertain significance (1 of 4 stars; one submission).

Allele frequency attached by ClinVar (database versions not stated): TOPMed below 0.00001; ExAC 0.00001.
gnomAD v4.1: 18 of 1,614,020 alleles (0.0011%); highest among the groups gnomAD compares: East Asian, 0.0022%; no homozygotes.

Submission:

Ambry Genetics
Classification: Uncertain significance. Last evaluated: 2024-06-27. Review status: criteria provided, single submitter. Criteria: Ambry Variant Classification Scheme 2023. Collection method: clinical testing. Allele origin: germline.
Comment: The p.S656Y variant (also known as c.1967C>A), located in coding exon 13 of the NPAT gene, results from a C to A substitution at nucleotide position 1967. The serine at codon 656 is replaced by tyrosine, an amino acid with dissimilar properties. This amino acid position is conserved. In addition, this alteration is predicted to be tolerated by in silico analysis. Since supporting evidence is limited at this time, the clinical significance of this alteration remains unclear.